The following is an entry in ClinVar:

ClinVar aggregate classification (germline): Benign/Likely benign. Review status: criteria provided, multiple submitters, no conflicts (2 of 4 stars). 5 submissions from 5 submitters: Benign (2); Likely benign (3). Last evaluated 2025-10-01.

Conditions:
Parkinson Disease, Dominant/Recessive.

Allele frequency attached by ClinVar (database versions not stated): 1000 Genomes Project 0.00519; 1000 Genomes Project 30x 0.00531; TOPMed 0.00750; ESP Exome Variant Server 0.00792; gnomAD exomes 0.00806 and 0.01222; ExAC 0.00814; gnomAD 0.00815 and 0.00826.
gnomAD v4.1: 18,973 of 1,614,162 alleles (1.2%); highest among the groups gnomAD compares: Non-Finnish European, 1.4%; 145 homozygotes.

Submissions (5):

CeGaT Center for Human Genetics Tuebingen
Classification: Benign. Last evaluated: 2025-10-01. Review status: criteria provided, single submitter. Criteria: CeGaT Center For Human Genetics Tuebingen Variant Classification Criteria Version 2. Collection method: clinical testing. Allele origin: germline. Affected: yes. Observed: 2 variant alleles.
Comment: SNCAIP: BP4, BS1, BS2

Labcorp Genetics (formerly Invitae), Labcorp
Classification: Benign. Last evaluated: 2019-12-31. Review status: criteria provided, single submitter. Criteria: Invitae Variant Classification Sherloc (09022015). Collection method: clinical testing. Allele origin: germline.

Illumina Laboratory Services, Illumina
Classification: Likely benign for Parkinson Disease, Dominant/Recessive. Last evaluated: 2017-04-27. Review status: criteria provided, single submitter. Criteria: ICSL Variant Classification Criteria 13 December 2019. Collection method: clinical testing. Allele origin: germline.
Comment: This variant was observed as part of a predisposition screen in an ostensibly healthy population. A literature search was performed for the gene, cDNA change, and amino acid change (where applicable). Publications were found based on this search. The evidence from the literature, in combination with allele frequency data from public databases where available, was sufficient to determine this variant is unlikely to cause disease. Therefore, this variant is classified as likely benign.

Laboratory for Molecular Medicine, Mass General Brigham Personalized Medicine
Classification: Likely benign. Last evaluated: 2016-03-29. Review status: criteria provided, single submitter. Criteria: LMM Criteria. Collection method: clinical testing. Allele origin: germline.
Comment: Variant identified in a genome or exome case(s) and assessed due to predicted null impact of the variant or pathogenic assertions in the literature or databases. Disclaimer: This variant has not undergone full assessment. The following are preliminary notes: Frequency in ESP (all): 103/13006=0.79%; Frequency in ESP (EA): 94/8600=1.09%

Breakthrough Genomics
Classification: Likely benign. Review status: criteria provided, single submitter. Criteria: ACMG Guidelines, 2015. Collection method: not provided. Allele origin: germline. Inheritance: Unknown mechanism. Affected: yes.

Literature cited by the submitters: PubMed 21344240 (cited by Illumina Laboratory Services, Illumina).

NM_005460.4(SNCAIP):c.2125G>C (p.Glu709Gln)

Genes: SNCAIP (synuclein alpha interacting protein; plus strand), SNCAIP-AS3 (SNCAIP antisense RNA 3; minus strand). Cytogenetic location: 5q23.2.
Variant type: single nucleotide variant.
Coding change: c.2125G>C on transcript NM_005460.4 (MANE Select); coding-DNA position 2125, G replaced by C.
Protein change: p.Glu709Gln; replaces glutamic acid 709 with glutamine.
Molecular consequence: missense variant. On other transcripts: non-coding transcript variant (2).
Genome position (GRCh38, 1-based): chr5:122,450,972, G>C. VCF-style: chr5-122450972-G-C. GRCh37 (hg19) VCF-style: chr5-121786667-G-C.
Other names: c.1027G>C, p.Glu343Gln (NM_001242935.3, NM_001308107.2); c.2266G>C, p.Glu756Gln (NM_001308100.2); c.1945G>C, p.Glu649Gln (NM_001308105.1); c.1021G>C, p.Glu341Gln (NM_001308106.1); c.1207G>C, p.Glu403Gln (NM_001308108.1); c.913G>C, p.Glu305Gln (NM_001308109.2); short protein forms E709Q, E649Q, E343Q, E305Q, E341Q, E403Q, E756Q.
Identifiers: ClinVar variation 350498 (VCV000350498.29), dbSNP rs55712196, ClinGen allele CA3385033.